The following is an entry in ClinVar:

ClinVar aggregate classification (germline): Pathogenic. Review status: criteria provided, multiple submitters, no conflicts (2 of 4 stars). 2 submissions from 2 submitters: Pathogenic (2). Last evaluated 2021-06-10.

Conditions:
Hereditary cancer-predisposing syndrome. Also called: Neoplastic Syndromes, Hereditary; Hereditary neoplastic syndrome; Tumor predisposition; Hereditary Cancer Syndrome. Identifiers: Orphanet 140162, MedGen C0027672, MeSH D009386, MONDO:0015356.
Gorlin syndrome. Also called: Basal cell nevus syndrome; Nevoid Basal Cell Carcinoma Syndrome. Identifiers: Orphanet 377, MedGen C0004779, MONDO:0007187.

Submissions (2):

Labcorp Genetics (formerly Invitae), Labcorp
Classification: Pathogenic for Gorlin syndrome. Last evaluated: 2021-06-10. Review status: criteria provided, single submitter. Criteria: Invitae Variant Classification Sherloc (09022015). Collection method: clinical testing. Allele origin: germline.
Comment: This sequence change creates a premature translational stop signal (p.Phe88Asnfs*28) in the PTCH1 gene. It is expected to result in an absent or disrupted protein product. Loss-of-function variants in PTCH1 are known to be pathogenic (PMID: 16301862, 16419085). This variant is not present in population databases (ExAC no frequency). This variant has been observed in individual(s) with basal cell nevus syndrome (BCNS) (PMID: 16301862, Invitae). ClinVar contains an entry for this variant (Variation ID: 1076493). For these reasons, this variant has been classified as Pathogenic.

Ambry Genetics
Classification: Pathogenic for Hereditary cancer-predisposing syndrome. Last evaluated: 2020-08-05. Review status: criteria provided, single submitter. Criteria: Ambry Variant Classification Scheme 2023. Collection method: clinical testing. Allele origin: germline.
Comment: The c.262_265delTTTA pathogenic mutation, located in coding exon 2 of the PTCH1 gene, results from a deletion of 4 nucleotides at nucleotide positions 262 to 265, causing a translational frameshift with a predicted alternate stop codon (p.F88Nfs*28). This mutation has been reported in individuals with NBCCS/Gorlin syndrome (Klein et al. Genet. Med. 2005 Nov-Dec;7(9):611-9; Soufir et al. Br. J. Cancer. 2006 Aug 21;95(4):548-53). In addition to the clinical data presented in the literature, this alteration is expected to result in loss of function by premature protein truncation or nonsense-mediated mRNA decay. As such, this alteration is interpreted as a disease-causing mutation.

Literature cited by the submitters: PubMed 16301862 (cited by Labcorp Genetics (formerly Invitae), Labcorp); PubMed 16419085 (cited by Labcorp Genetics (formerly Invitae), Labcorp).

NM_000264.5(PTCH1):c.262_265del (p.Phe88fs)

Gene: PTCH1 (patched 1; minus strand). Cytogenetic location: 9q22.32.
Variant type: Deletion.
Coding change: c.262_265del on transcript NM_000264.5 (MANE Select); coding-DNA positions 262 to 265, 4 bases deleted (TTTA; older notation c.262_265delTTTA).
Protein change: p.Phe88fs; shifts the reading frame from phenylalanine 88.
Molecular consequence: frameshift variant. On other transcripts: 5 prime UTR variant (4), non-coding transcript variant (1).
Genome position (GRCh38, 1-based): chr9:95,506,536-95,506,539, TAAA deleted on the plus strand (TTTA on the coding strand, the reverse complement: PTCH1 is on the minus strand); deleting any 4 consecutive bases within chr9:95,506,536-95,506,542 gives the same sequence; the c. name uses the placement nearest the transcript's 3' end. VCF-style (leftmost placement, unchanged base first): chr9-95506535-TTAAA-T. GRCh37 (hg19) VCF-style: chr9-98268817-TTAAA-T.
Other names: c.64_67del, p.Phe22fs (NM_001083602.3, NM_001354919.2); c.259_262del, p.Phe87fs (NM_001083603.3); c.-192_-189del (NM_001083604.3, NM_001083605.3, NM_001083606.3 and 1 more transcripts); c.262_265del, p.Phe88fs (NM_001354918.2); short protein forms F22fs, F87fs, F88fs.
Identifiers: ClinVar variation 1076493 (VCV001076493.11), dbSNP rs2118879343, ClinGen allele CA645560465.
Genomic context (GRCh38, chr9:95,506,535, plus strand): 5'-AATATGAGGAGGCCCACAACCAAGAACTTGCCGCAGTTTTTTTGAATGTAACAACCCAGT[TTAAA>T]TAAGAGTCTCTGAAACTTCGCTCTCAGCCACAGCGGCGCTTTCCGGCCAGTAGCCTTCCC-3'